The following is an entry in ClinVar:

NM_007227.3(GPR45):c.973T>A (p.Cys325Ser)

Gene: GPR45 (G protein-coupled receptor 45; plus strand). Cytogenetic location: 2q12.1.
Variant type: single nucleotide variant.
Coding change: c.973T>A on transcript NM_007227.3 (MANE Select); coding-DNA position 973, T replaced by A.
Protein change: p.Cys325Ser; replaces cysteine 325 with serine.
Molecular consequence: missense variant.
Genome position (GRCh38, 1-based): chr2:105,242,831, T>A. VCF-style: chr2-105242831-T-A. GRCh37 (hg19) VCF-style: chr2-105859288-T-A.
Other names: short protein forms C325S.
Identifiers: ClinVar variation 3006984 (VCV003006984.3), dbSNP rs1271558791, ClinGen allele CA348101626.

ClinVar aggregate classification (germline): Uncertain significance (1 of 4 stars; one submission).

Allele frequency attached by ClinVar (database versions not stated): gnomAD exomes below 0.00001; TOPMed 0.00002.

Submission:

Labcorp Genetics (formerly Invitae), Labcorp
Classification: Uncertain significance. Last evaluated: 2024-01-07. Review status: criteria provided, single submitter. Criteria: Invitae Variant Classification Sherloc (09022015). Collection method: clinical testing. Allele origin: germline.
Comment: This sequence change replaces cysteine, which is neutral and slightly polar, with serine, which is neutral and polar, at codon 325 of the GPR45 protein (p.Cys325Ser). This variant is present in population databases (no rsID available, gnomAD 0.007%). This variant has not been reported in the literature in individuals affected with GPR45-related conditions. An algorithm developed to predict the effect of missense changes on protein structure and function (PolyPhen-2) suggests that this variant is likely to be tolerated. In summary, the available evidence is currently insufficient to determine the role of this variant in disease. Therefore, it has been classified as a Variant of Uncertain Significance.